The following is an entry in ClinVar:

ClinVar aggregate classification (germline): Likely pathogenic (1 of 4 stars; one submission).

Submission:

CeGaT Center for Human Genetics Tuebingen
Classification: Likely pathogenic. Last evaluated: 2026-10-01. Review status: criteria provided, single submitter. Criteria: CeGaT Center For Human Genetics Tuebingen Variant Classification Criteria Version 2. Collection method: clinical testing. Allele origin: germline. Affected: yes. Observed: 1 variant allele.
Comment: DYRK1A: PVS1:Strong, PM2, PS2:Supporting, PS4:Supporting

NM_001347721.2(DYRK1A):c.925-2A>G

Gene: DYRK1A (dual specificity tyrosine phosphorylation regulated kinase 1A; plus strand). Cytogenetic location: 21q22.13.
Variant type: single nucleotide variant.
Coding change: c.925-2A>G on transcript NM_001347721.2 (MANE Select); the canonical splice acceptor site of the intron before coding-DNA position 925, A replaced by G.
Molecular consequence: splice acceptor variant.
Genome position (GRCh38, 1-based): chr21:37,493,015, A>G. VCF-style: chr21-37493015-A-G. GRCh37 (hg19) VCF-style: chr21-38865317-A-G.
Other names: c.952-2A>G (NM_001396.5, NM_101395.2, NM_130438.2); c.925-2A>G (NM_001347722.2, NM_130436.2); c.838-2A>G (NM_001347723.2).
Identifiers: ClinVar variation 5040829 (VCV005040829.1).
Genomic context (GRCh38, chr21:37,493,015, plus strand): 5'-TAATCCAATGCTGACTGCAGTTTTAAGCAATTGAAGTAATACTATTTTGAAATATATTTC[A>G]GATATACCAGTATATTCAGAGTCGCTTTTATCGGTCTCCAGAGGTGCTACTGGGAATGCC-3'